The following is an entry in ClinVar:

NM_000360.4(TH):c.692C>G (p.Thr231Ser)

Gene: TH (tyrosine hydroxylase; minus strand). Cytogenetic location: 11p15.5.
Variant type: single nucleotide variant.
Coding change: c.692C>G on transcript NM_000360.4 (MANE Select); coding-DNA position 692, C replaced by G.
Protein change: p.Thr231Ser; replaces threonine 231 with serine.
Molecular consequence: missense variant.
Genome position (GRCh38, 1-based): chr11:2,167,438, G>C on the plus strand (C>G on the coding strand, the complement: TH is on the minus strand). VCF-style: chr11-2167438-G-C. GRCh37 (hg19) VCF-style: chr11-2188668-G-C.
Other names: c.785C>G, p.Thr262Ser (NM_199292.3); c.773C>G, p.Thr258Ser (NM_199293.3); short protein forms T231S, T258S, T262S.
Identifiers: ClinVar variation 691996 (VCV000691996.3), dbSNP rs1590168246, ClinGen allele CA379127290.
Genomic context (GRCh38, chr11:2,167,438, plus strand): 5'-ATTCCAGGAGGCATCCCCCGGGCTCCTCCCCAGCCCCTAGCTGCACGGAGGTCTCACCAG[G>C]TGGCAATCTCCTCGGCGGTGTACTCCACACGGGGAATCGGGTCGCCGCTGGGGAGGGGGC-3'
Protein context (NP_000351.2, residues 221-241): RVEYTAEEIA[Thr231Ser]WKEVYTTLKG

ClinVar aggregate classification (germline): Likely pathogenic. Review status: criteria provided, multiple submitters, no conflicts (2 of 4 stars). 2 submissions from 2 submitters: Likely pathogenic (2). Last evaluated 2025-05-05.

Conditions:
TH-deficient dopa-responsive dystonia. Also called: Tyrosine Hydroxylase-Deficient Dopa-Responsive Dystonia; DYT-TH; Segawa syndrome, autosomal recessive. Identifiers: Orphanet 101150, MedGen C2673535, MONDO:0011551, OMIM 605407.
Dystonic disorder. Also called: Dystonia. Identifiers: MedGen C0013421, MONDO:0003441, HP:0001332.

Submissions (2):

Natera, Inc.
Classification: Likely pathogenic for Autosomal recessive Segawa syndrome. Last evaluated: 2025-05-05. Review status: criteria provided, single submitter. Criteria: Natera Variant Classification Schema (03/2026). Collection method: clinical testing. Allele origin: germline.
Comment: The c.785C>G variant in TH is a missense variant predicted to cause substitution of threonine to serine at amino acid 262. This variant is rare in the general population with a frequency below the threshold expected for the associated phenotype(s). This variant has been observed in one or more individuals affected with the associated recessive disease, as either homozygous or compound heterozygous with a second variant (PMID: 31019026). This variant has been identified in one or more affected individuals with a phenotype highly consistent with the associated gene (PMID: 31019026). Computational prediction algorithms indicate this variant is likely to affect gene or protein function. Given the available evidence, this variant is classified as Likely Pathogenic.

Rady Children's Institute for Genomic Medicine, Rady Children's Hospital San Diego
Classification: Likely pathogenic for Dystonia. Last evaluated: 2017-08-31. Review status: criteria provided, single submitter. Criteria: ACMG Guidelines, 2015. Collection method: clinical testing. Allele origin: germline. Affected: yes. Observed: 1 variant allele.
Comment: This variant has not been previously reported in the literature to our knowledge, and is presumed rare due to its absence in public databases of healthy adults. This variant is predicted by in silico methods to have a deleterious effect on protein function and the 262-Thr residue is highly conserved among vertebrates. Other nearby pathogenic variants in exon 7 have been described and functionally assessed (PMID: 24753243). Missense variants in the TH gene are tolerated based on data in ExAC, but homozygotes are not. This variant was found in trans with a pathogenic variant. Based on the available evidence, this variant is classified as likely pathogenic.

Literature cited by the submitters: PubMed 31019026 (cited by Natera, Inc.).